The following is an entry in ClinVar:

NM_001378454.1(ALMS1):c.2991_2992del (p.Val998fs)

Gene: ALMS1 (ALMS1 centrosome and basal body associated protein; plus strand). Cytogenetic location: 2p13.1.
Variant type: Deletion.
Coding change: c.2991_2992del on transcript NM_001378454.1 (MANE Select); coding-DNA positions 2991 to 2992, 2 bases deleted (AG; older notation c.2991_2992delAG).
Protein change: p.Val998fs; shifts the reading frame from valine 998.
Molecular consequence: frameshift variant.
Genome position (GRCh38, 1-based): chr2:73,449,518-73,449,519, AG deleted. VCF-style (leftmost placement, unchanged base first): chr2-73449517-CAG-C. GRCh37 (hg19) VCF-style: chr2-73676644-CAG-C.
Other names: c.2994_2995del, p.Val999fs (NM_015120.4); short protein forms V999fs, V998fs.
Identifiers: ClinVar variation 5006331 (VCV005006331.2).

ClinVar aggregate classification (germline): Pathogenic (1 of 4 stars; one submission).

Conditions:
Alstrom syndrome (ALMS). Identifiers: Orphanet 64, MedGen C0268425, MONDO:0008763, OMIM 203800.

Submission:

Juno Genomics, Hangzhou Juno Genomics, Inc
Classification: Pathogenic for Alstrom syndrome. Review status: criteria provided, single submitter. Criteria: ACMG Guidelines, 2015. Collection method: clinical testing. Allele origin: germline.
Comment: Absent from controls (or at extremely low frequency if recessive) in Genome Aggregation Database.;Null variant in a gene where loss of function (LOF) is a known mechanism of disease.;For recessive disorders, detected in trans with a pathogenic variant.